The following is an entry in ClinVar:

ClinVar aggregate classification (germline): Uncertain significance (1 of 4 stars; one submission).

Conditions:
Autosomal recessive limb-girdle muscular dystrophy type 2O. Also called: Limb-Girdle Muscular Dystrophy Type 3C; MUSCULAR DYSTROPHY-DYSTROGLYCANOPATHY (LIMB-GIRDLE), TYPE C, 3; MUSCULAR DYSTROPHY-DYSTROGLYCANOPATHY, LIMB-GIRDLE, POMGNT1-RELATED. Identifiers: Orphanet 206564, MedGen C3150417, MONDO:0013161, OMIM 613157.
Muscular dystrophy-dystroglycanopathy (congenital with impaired intellectual development), type B, 3. Also called: Muscular dystrophy-dystroglycanopathy (congenital with intellectual disability), type B3; MUSCULAR DYSTROPHY, CONGENITAL, POMGNT1-RELATED. Identifiers: MedGen C3150412, MONDO:0013155, OMIM 613151.

gnomAD v4.1: 2 of 1,613,872 alleles (0.00012%); highest among the groups gnomAD compares: Non-Finnish European, 0.00017%; no homozygotes.

Submission:

Labcorp Genetics (formerly Invitae), Labcorp
Classification: Uncertain significance for Autosomal recessive limb-girdle muscular dystrophy type 2O; Muscular dystrophy-dystroglycanopathy (congenital with impaired intellectual development), type B, 3. Last evaluated: 2021-12-13. Review status: criteria provided, single submitter. Criteria: Invitae Variant Classification Sherloc (09022015). Collection method: clinical testing. Allele origin: germline.
Comment: This sequence change replaces threonine, which is neutral and polar, with arginine, which is basic and polar, at codon 524 of the POMGNT1 protein (p.Thr524Arg). This variant is not present in population databases (gnomAD no frequency). This variant has not been reported in the literature in individuals affected with POMGNT1-related conditions. Advanced modeling of protein sequence and biophysical properties (such as structural, functional, and spatial information, amino acid conservation, physicochemical variation, residue mobility, and thermodynamic stability) performed at Invitae indicates that this missense variant is not expected to disrupt POMGNT1 protein function. In summary, the available evidence is currently insufficient to determine the role of this variant in disease. Therefore, it has been classified as a Variant of Uncertain Significance.

NM_017739.4(POMGNT1):c.1571C>G (p.Thr524Arg)

Genes: TSPAN1 (tetraspanin 1; plus strand), POMGNT1 (protein O-linked mannose N-acetylglucosaminyltransferase 1 (beta 1,2-); minus strand). Cytogenetic location: 1p34.1.
Variant type: single nucleotide variant.
Coding change: c.1571C>G on transcript NM_017739.4 (MANE Select); coding-DNA position 1571, C replaced by G.
Protein change: p.Thr524Arg; replaces threonine 524 with arginine.
Molecular consequence: missense variant.
Genome position (GRCh38, 1-based): chr1:46,190,753, G>C on the plus strand (C>G on the coding strand, the complement: POMGNT1 is on the minus strand). VCF-style: chr1-46190753-G-C. GRCh37 (hg19) VCF-style: chr1-46656425-G-C.
Other names: c.1571C>G, p.Thr524Arg (NM_001243766.2, NM_001410783.1); c.1505C>G, p.Thr502Arg (NM_001290129.3); c.1142C>G, p.Thr381Arg (NM_001290130.2); short protein forms T502R, T381R, T524R.
Identifiers: ClinVar variation 1467917 (VCV001467917.3), dbSNP rs769180238, ClinGen allele CA340172533.